The following is an entry in ClinVar:

NM_002047.4(GARS1):c.1624A>G (p.Ile542Val)

Gene: GARS1 (glycyl-tRNA synthetase 1; plus strand). Cytogenetic location: 7p14.3.
Variant type: single nucleotide variant.
Coding change: c.1624A>G on transcript NM_002047.4 (MANE Select); coding-DNA position 1624, A replaced by G.
Protein change: p.Ile542Val; replaces isoleucine 542 with valine.
Molecular consequence: missense variant.
Genome position (GRCh38, 1-based): chr7:30,626,244, A>G. VCF-style: chr7-30626244-A-G. GRCh37 (hg19) VCF-style: chr7-30665860-A-G.
Other names: c.1624A>G (LRG_243t1); c.1462A>G, p.Ile488Val (NM_001316772.1); short protein forms I542V, I488V.
Identifiers: ClinVar variation 410312 (VCV000410312.8), dbSNP rs1060502837, ClinGen allele CA16612240.

ClinVar aggregate classification (germline): Uncertain significance (1 of 4 stars; one submission).

Conditions:
Charcot-Marie-Tooth disease type 2. Also called: Charcot-Marie-Tooth type 2. Identifiers: Orphanet 64746, MedGen C0270914, MONDO:0018993.

Allele frequency attached by ClinVar (database versions not stated): gnomAD exomes below 0.00001; gnomAD 0.00001; TOPMed 0.00001.
gnomAD v4.1: 3 of 1,605,540 alleles (0.00019%); highest among the groups gnomAD compares: South Asian, 0.0011%; no homozygotes.

Submission:

Labcorp Genetics (formerly Invitae), Labcorp
Classification: Uncertain significance for Charcot-Marie-Tooth disease type 2. Last evaluated: 2025-12-15. Review status: criteria provided, single submitter. Criteria: Invitae Variant Classification Sherloc (09022015). Collection method: clinical testing. Allele origin: germline.
Comment: This sequence change replaces isoleucine, which is neutral and non-polar, with valine, which is neutral and non-polar, at codon 542 of the GARS protein (p.Ile542Val). This variant is not present in population databases (gnomAD no frequency). This variant has not been reported in the literature in individuals affected with GARS-related conditions. ClinVar contains an entry for this variant (Variation ID: 410312). Invitae Evidence Modeling of protein sequence and biophysical properties (such as structural, functional, and spatial information, amino acid conservation, physicochemical variation, residue mobility, and thermodynamic stability) indicates that this missense variant is not expected to disrupt GARS protein function with a negative predictive value of 95%. In summary, the available evidence is currently insufficient to determine the role of this variant in disease. Therefore, it has been classified as a Variant of Uncertain Significance.